The following is an entry in ClinVar:

NM_014252.4(SLC25A15):c.622+4A>G

Gene: SLC25A15 (solute carrier family 25 member 15; plus strand). Cytogenetic location: 13q14.11.
Variant type: single nucleotide variant.
Coding change: c.622+4A>G on transcript NM_014252.4 (MANE Select); 4 bases into the intron after coding-DNA position 622, A replaced by G.
Molecular consequence: intron variant.
Genome position (GRCh38, 1-based): chr13:40,807,467, A>G. VCF-style: chr13-40807467-A-G. GRCh37 (hg19) VCF-style: chr13-41381603-A-G.
Identifiers: ClinVar variation 2573729 (VCV002573729.2), dbSNP rs2546922113, ClinGen allele CA2580614716.

ClinVar aggregate classification (germline): Uncertain significance (1 of 4 stars; one submission).

Submission:

GeneDx
Classification: Uncertain significance. Last evaluated: 2023-10-12. Review status: criteria provided, single submitter. Criteria: GeneDx Variant Classification Process June 2021. Collection method: clinical testing. Allele origin: germline.
Comment: Not observed at significant frequency in large population cohorts (gnomAD); In silico analysis supports a deleterious effect on splicing; Has not been previously published as pathogenic or benign to our knowledge